The following is an entry in ClinVar:

NM_001080421.3(UNC13A):c.4803C>T (p.Ser1601=)

Gene: UNC13A (unc-13 homolog A; minus strand). Cytogenetic location: 19p13.11.
Variant type: single nucleotide variant.
Coding change: c.4803C>T on transcript NM_001080421.3 (MANE Select); coding-DNA position 4803, C replaced by T.
Protein change: p.Ser1601=; no amino-acid change (serine 1601 retained).
Molecular consequence: synonymous variant.
Genome position (GRCh38, 1-based): chr19:17,609,948, G>A on the plus strand (C>T on the coding strand, the complement: UNC13A is on the minus strand). VCF-style: chr19-17609948-G-A. GRCh37 (hg19) VCF-style: chr19-17720757-G-A.
Other names: c.4791C>T, p.Ser1597= (NM_001387021.1); c.4788C>T, p.Ser1596= (NM_001387022.1); c.4722C>T, p.Ser1574= (NM_001387023.1).
Identifiers: ClinVar variation 3032561 (VCV003032561.2), dbSNP rs371037649, ClinGen allele CA9297560.

ClinVar aggregate classification (germline): Likely benign (0 of 4 stars; one submission).

Conditions:
UNC13A-related disorder. Also called: UNC13A-related condition.

Allele frequency attached by ClinVar (database versions not stated): ExAC 0.00007; gnomAD 0.00011; 1000 Genomes Project 30x 0.00016; TOPMed 0.00016; 1000 Genomes Project 0.00020; gnomAD exomes 0.00023; ESP Exome Variant Server 0.00024.
gnomAD v4.1: 340 of 1,613,552 alleles (0.021%); highest among the groups gnomAD compares: Non-Finnish European, 0.028%; no homozygotes.

Submission:

PreventionGenetics, part of Exact Sciences
Classification: Likely benign for UNC13A-related condition. Last evaluated: 2021-05-05. Review status: no assertion criteria provided. Collection method: clinical testing. Allele origin: germline.
Comment: This variant is classified as likely benign based on ACMG/AMP sequence variant interpretation guidelines (Richards et al. 2015 PMID: 25741868, with internal and published modifications).